The following is an entry in ClinVar:

NM_024675.4(PALB2):c.303T>G (p.Asp101Glu)

Gene: PALB2 (partner and localizer of BRCA2; minus strand). Cytogenetic location: 16p12.2.
Variant type: single nucleotide variant.
Coding change: c.303T>G on transcript NM_024675.4 (MANE Select); coding-DNA position 303, T replaced by G.
Protein change: p.Asp101Glu; replaces aspartic acid 101 with glutamic acid.
Molecular consequence: missense variant.
Genome position (GRCh38, 1-based): chr16:23,636,243, A>C on the plus strand (T>G on the coding strand, the complement: PALB2 is on the minus strand). VCF-style: chr16-23636243-A-C. GRCh37 (hg19) VCF-style: chr16-23647564-A-C.
Other names: short protein forms D101E.
Identifiers: ClinVar variation 492208 (VCV000492208.15), dbSNP rs1417779335, ClinGen allele CA395138797.
Genomic context (GRCh38, chr16:23,636,243, plus strand): 5'-TGTTCTTTGTATAGGTAATCCTCCTGGGCCATCTCCAGGGTTAAAGGACTCAGGCCCAAC[A>C]TCAAGTGTGATAGATGTCTTTTCTCCAGTTTCTTCATCAAGATGGGTTTTGATGTGTAAC-3'
Protein context (NP_078951.2, residues 91-111): ETGEKTSITL[Asp101Glu]VGPESFNPGD

ClinVar aggregate classification (germline): Conflicting classifications of pathogenicity. Review status: criteria provided, conflicting classifications (1 of 4 stars). 6 submissions from 6 submitters: Uncertain significance (5); Likely benign (1). Last evaluated 2026-01-27.

Conditions:
Pancreatic cancer, susceptibility to, 3. Identifiers: Orphanet 1333, MedGen C3150547, MONDO:0013236, OMIM 613348.
Fanconi anemia complementation group N. Also called: PALB2-Related Fanconi Anemia. Identifiers: Orphanet 84, MedGen C1835817, MONDO:0012565, OMIM 610832. Disease mechanism: loss of function.
Breast-ovarian cancer, familial, susceptibility to, 5 (BROVCA5). Identifiers: MedGen C5830615, MONDO:0957530, OMIM 620442.
Hereditary cancer-predisposing syndrome. Also called: Tumor predisposition; Neoplastic Syndromes, Hereditary; Hereditary Cancer Syndrome; Hereditary neoplastic syndrome. Identifiers: Orphanet 140162, MedGen C0027672, MeSH D009386, MONDO:0015356.
Familial cancer of breast. Also called: BREAST CANCER, FAMILIAL; hereditary breast carcinoma; Hereditary breast cancer. Identifiers: Orphanet 227535, MedGen C0346153, MONDO:0016419, OMIM 114480. Disease mechanism: loss of function.

Allele frequency attached by ClinVar (database versions not stated): gnomAD exomes 0.00001.
gnomAD v4.1: 11 of 1,613,982 alleles (0.00068%); highest among the groups gnomAD compares: South Asian, 0.011%; 1 homozygote.

Submissions (6):

Labcorp Genetics (formerly Invitae), Labcorp
Classification: Uncertain significance for Familial cancer of breast. Last evaluated: 2026-01-27. Review status: criteria provided, single submitter. Criteria: Invitae Variant Classification Sherloc (09022015). Collection method: clinical testing. Allele origin: germline.
Comment: This sequence change replaces aspartic acid, which is acidic and polar, with glutamic acid, which is acidic and polar, at codon 101 of the PALB2 protein (p.Asp101Glu). This variant is present in population databases (no rsID available, gnomAD 0.007%), including at least one homozygous and/or hemizygous individual. This missense change has been observed in individual(s) with breast and/or ovarian cancer (PMID: 29470806, 34326862). ClinVar contains an entry for this variant (Variation ID: 492208). An algorithm developed to predict the effect of missense changes on protein structure and function (PolyPhen-2) suggests that this variant is likely to be tolerated. In summary, the available evidence is currently insufficient to determine the role of this variant in disease. Therefore, it has been classified as a Variant of Uncertain Significance.

Ambry Genetics
Classification: Likely benign for Hereditary cancer-predisposing syndrome. Last evaluated: 2025-05-01. Review status: criteria provided, single submitter. Criteria: Ambry Variant Classification Scheme 2023. Collection method: clinical testing. Allele origin: germline.

Fulgent Genetics
Classification: Uncertain significance for Fanconi anemia complementation group N; Pancreatic cancer, susceptibility to, 3; Breast-ovarian cancer, familial, susceptibility to, 5. Last evaluated: 2024-04-24. Review status: criteria provided, single submitter. Criteria: ACMG Guidelines, 2015. Collection method: clinical testing. Allele origin: germline.

Revvity Omics, Revvity
Classification: Uncertain significance. Last evaluated: 2021-08-23. Review status: criteria provided, single submitter. Criteria: ACMG Guidelines, 2015. Collection method: clinical testing. Allele origin: germline.

Quest Diagnostics Nichols Institute San Juan Capistrano
Classification: Uncertain significance. Last evaluated: 2021-01-14. Review status: criteria provided, single submitter. Criteria: Quest Diagnostics criteria. Collection method: clinical testing. Allele origin: unknown.

Color Diagnostics, LLC DBA Color Health
Classification: Uncertain significance for Hereditary cancer-predisposing syndrome. Last evaluated: 2018-11-29. Review status: criteria provided, single submitter. Criteria: ACMG Guidelines, 2015. Collection method: clinical testing. Allele origin: germline.

Literature cited by the submitters: PubMed 29470806 (cited by Labcorp Genetics (formerly Invitae), Labcorp and Quest Diagnostics Nichols Institute San Juan Capistrano); PubMed 34326862 (cited by Labcorp Genetics (formerly Invitae), Labcorp).